The following is an entry in ClinVar:

ClinVar aggregate classification (germline): Pathogenic (1 of 4 stars; one submission).

Conditions:
Hereditary breast ovarian cancer syndrome. Also called: BRCA1- and BRCA2-Associated Hereditary Breast and Ovarian Cancer; Hereditary breast and/or ovarian cancer syndrome; Hereditary breast and ovarian cancer syndrome; Hereditary breast and ovarian cancer; Breast and ovarian cancer; Hereditary breast and ovarian cancer syndrome (HBOC). Identifiers: Orphanet 145, MedGen C0677776, MeSH D061325, MONDO:0003582. Disease mechanism: loss of function.

Submission:

Labcorp Genetics (formerly Invitae), Labcorp
Classification: Pathogenic for Hereditary breast ovarian cancer syndrome. Last evaluated: 2024-02-09. Review status: criteria provided, single submitter. Criteria: Invitae Variant Classification Sherloc (09022015). Collection method: clinical testing. Allele origin: germline.
Comment: This sequence change creates a premature translational stop signal (p.His1746Glufs*14) in the BRCA1 gene. It is expected to result in an absent or disrupted protein product. Loss-of-function variants in BRCA1 are known to be pathogenic (PMID: 20104584). This variant is not present in population databases (gnomAD no frequency). This premature translational stop signal has been observed in individual(s) with breast cancer (PMID: 31173646). ClinVar contains an entry for this variant (Variation ID: 936431). For these reasons, this variant has been classified as Pathogenic.

Literature cited by the submitters: PubMed 20104584; PubMed 31173646.

NM_007294.4(BRCA1):c.5236_5251del (p.His1746fs)

Gene: BRCA1 (BRCA1 DNA repair associated; minus strand). Cytogenetic location: 17q21.31.
Variant type: Deletion.
Coding change: c.5236_5251del on transcript NM_007294.4 (MANE Select); coding-DNA positions 5236 to 5251, 16 bases deleted (CACCAAGGTCCAAAGC).
Protein change: p.His1746fs; shifts the reading frame from histidine 1746.
Molecular consequence: frameshift variant. On other transcripts: non-coding transcript variant (1).
Genome position (GRCh38, 1-based): chr17:43,057,078-43,057,093, GCTTTGGACCTTGGTG deleted on the plus strand (CACCAAGGTCCAAAGC on the coding strand, the reverse complement: BRCA1 is on the minus strand); deleting any 16 consecutive bases within chr17:43,057,078-43,057,094 gives the same sequence; the c. name uses the placement nearest the transcript's 3' end. VCF-style (leftmost placement, unchanged base first): chr17-43057077-CGCTTTGGACCTTGGTG-C. GRCh37 (hg19) VCF-style: chr17-41209094-CGCTTTGGACCTTGGTG-C.
Other names: c.5109_5124del16, p.His1704Glufs (NM_001407670.1, NM_001407671.1, NM_001407672.1 and 10 more transcripts); c.5106_5121del16, p.His1703Glufs (NM_001407681.1, NM_001407682.1, NM_001407686.1 and 6 more transcripts); c.5103_5118del16, p.His1702Glufs (NM_001407690.1, NM_001407691.1); c.5094_5109del16, p.His1699Glufs (NM_001407692.1, NM_001407694.1, NM_001407695.1 and 12 more transcripts); c.5235_5250del16, p.His1746Glufs (NM_001407684.1, NM_007294.3, NM_001407593.1 and 8 more transcripts); c.5022_5037del16, p.His1675Glufs (NM_001407909.1, NM_001407910.1, NM_001407571.1 and 12 more transcripts); c.5019_5034del16, p.His1674Glufs (NM_001407915.1, NM_001407916.1, NM_001407917.1 and 1 more transcripts); c.5112_5127del16, p.His1705Glufs (NM_001407919.1, NM_001407937.1, NM_001407938.1 and 6 more transcripts); and 75 more; short protein forms H1699fs, H1746fs, H1767fs, H642fs.
Identifiers: ClinVar variation 936431 (VCV000936431.12), dbSNP rs2051505994, ClinGen allele CA1139665562.
Genomic context (GRCh38, chr17:43,057,077, plus strand): 5'-TGAGATTTTTGTCAACTTGAGGGAGGGAGCTTTACCTTTCTGTCCTGGGATTCTCTTGCT[CGCTTTGGACCTTGGTG>C]GTTTCTTCCATTGACCACATCTCCTCTGACTTCAAAATCATGCTGAAAGAAACCAAACAC-3'